The following is an entry in ClinVar:

ClinVar aggregate classification (germline): Uncertain significance (1 of 4 stars; one submission).

Conditions:
Cowden syndrome 6 (CWS6). Identifiers: Orphanet 201, MedGen C3554519, MONDO:0014048, OMIM 615109.

Submission:

Labcorp Genetics (formerly Invitae), Labcorp
Classification: Uncertain significance for Cowden syndrome 6. Last evaluated: 2022-11-16. Review status: criteria provided, single submitter. Criteria: Invitae Variant Classification Sherloc (09022015). Collection method: clinical testing. Allele origin: germline.
Comment: This sequence change replaces glutamic acid, which is acidic and polar, with lysine, which is basic and polar, at codon 440 of the AKT1 protein (p.Glu440Lys). This variant is not present in population databases (gnomAD no frequency). This variant has not been reported in the literature in individuals affected with AKT1-related conditions. Algorithms developed to predict the effect of missense changes on protein structure and function are either unavailable or do not agree on the potential impact of this missense change (SIFT: "Tolerated"; PolyPhen-2: "Probably Damaging"; Align-GVGD: "Class C0"). In summary, the available evidence is currently insufficient to determine the role of this variant in disease. Therefore, it has been classified as a Variant of Uncertain Significance.

NM_001382430.1(AKT1):c.1318G>A (p.Glu440Lys)

Gene: AKT1 (AKT serine/threonine kinase 1; minus strand). Cytogenetic location: 14q32.33.
Variant type: single nucleotide variant.
Coding change: c.1318G>A on transcript NM_001382430.1 (MANE Select); coding-DNA position 1318, G replaced by A.
Protein change: p.Glu440Lys; replaces glutamic acid 440 with lysine.
Molecular consequence: missense variant.
Genome position (GRCh38, 1-based): chr14:104,770,790, C>T on the plus strand (G>A on the coding strand, the complement: AKT1 is on the minus strand). VCF-style: chr14-104770790-C-T. GRCh37 (hg19) VCF-style: chr14-105237127-C-T.
Other names: c.1318G>A, p.Glu440Lys (NM_001014431.2, NM_001014432.2, NM_001382431.1 and 3 more transcripts); short protein forms E440K.
Identifiers: ClinVar variation 2814661 (VCV002814661.3), dbSNP rs2542103277, ClinGen allele CA391214549.